The following is an entry in ClinVar:

NM_001127222.2(CACNA1A):c.3085A>G (p.Arg1029Gly)

Gene: CACNA1A (calcium voltage-gated channel subunit alpha1 A; minus strand). Cytogenetic location: 19p13.13.
Variant type: single nucleotide variant.
Coding change: c.3085A>G on transcript NM_001127222.2 (MANE Select); coding-DNA position 3085, A replaced by G.
Protein change: p.Arg1029Gly; replaces arginine 1029 with glycine.
Molecular consequence: missense variant.
Genome position (GRCh38, 1-based): chr19:13,298,548, T>C on the plus strand (A>G on the coding strand, the complement: CACNA1A is on the minus strand). VCF-style: chr19-13298548-T-C. GRCh37 (hg19) VCF-style: chr19-13409362-T-C.
Other names: c.3097A>G, p.Arg1033Gly (NM_000068.4, NM_023035.3); c.3088A>G, p.Arg1030Gly (NM_001127221.2, NM_001174080.2); short protein forms R1029G, R1030G, R1033G.
Identifiers: ClinVar variation 2500116 (VCV002500116.5), dbSNP rs1321119725, ClinGen allele CA404342104.

ClinVar aggregate classification (germline): Uncertain significance. Review status: criteria provided, multiple submitters, no conflicts (2 of 4 stars). 3 submissions from 3 submitters: Uncertain significance (3). Last evaluated 2023-03-09.

Conditions:
Developmental and epileptic encephalopathy, 42 (DEE42A). Also called: EPILEPTIC ENCEPHALOPATHY, EARLY INFANTILE, 42A; DEVELOPMENTAL AND EPILEPTIC ENCEPHALOPATHY 42A; Epileptic encephalopathy, early infantile, 42. Identifiers: MedGen C4310716, MONDO:0014917, OMIM 617106.
Episodic ataxia type 2 (EA2). Also called: ATAXIA, EPISODIC, WITH NYSTAGMUS; ATAXIA, FAMILIAL PAROXYSMAL; CEREBELLAR ATAXIA, PAROXYSMAL, ACETAZOLAMIDE-RESPONSIVE; CEREBELLOPATHY, HEREDITARY PAROXYSMAL; EPISODIC ATAXIA, NYSTAGMUS-ASSOCIATED; ACETAZOLAMIDE-RESPONSIVE HEREDITARY PAROXYSMAL CEREBELLAR ATAXIA. Identifiers: Orphanet 97, MedGen C1720416, MONDO:0007163, OMIM 108500.
Migraine, familial hemiplegic, 1. Also called: MIGRAINE, FAMILIAL HEMIPLEGIC 1, WITH PROGRESSIVE CEREBELLAR ATAXIA. Identifiers: Orphanet 569, MedGen C1832884, MONDO:0020756, OMIM 141500, MONDO:0007714.
Spinocerebellar ataxia type 6 (SCA6). Identifiers: Orphanet 98758, MedGen C0752124, MONDO:0008457, OMIM 183086.

Submissions (3):

Labcorp Genetics (formerly Invitae), Labcorp
Classification: Uncertain significance for Developmental and epileptic encephalopathy, 42; Episodic ataxia type 2. Last evaluated: 2023-03-09. Review status: criteria provided, single submitter. Criteria: Invitae Variant Classification Sherloc (09022015). Collection method: clinical testing. Allele origin: germline.
Comment: This variant is not present in population databases (gnomAD no frequency). This variant has not been reported in the literature in individuals affected with CACNA1A-related conditions. Advanced modeling of protein sequence and biophysical properties (such as structural, functional, and spatial information, amino acid conservation, physicochemical variation, residue mobility, and thermodynamic stability) performed at Invitae indicates that this missense variant is not expected to disrupt CACNA1A protein function. In summary, the available evidence is currently insufficient to determine the role of this variant in disease. Therefore, it has been classified as a Variant of Uncertain Significance. This sequence change replaces arginine, which is basic and polar, with glycine, which is neutral and non-polar, at codon 1030 of the CACNA1A protein (p.Arg1030Gly).

GeneDx
Classification: Uncertain significance. Last evaluated: 2023-02-01. Review status: criteria provided, single submitter. Criteria: GeneDx Variant Classification Process June 2021. Collection method: clinical testing. Allele origin: germline. Affected: yes.
Comment: Not observed at significant frequency in large population cohorts (gnomAD); In silico analysis supports that this missense variant does not alter protein structure/function; Has not been previously published as pathogenic or benign to our knowledge

Center for Genomics, Ann and Robert H. Lurie Children's Hospital of Chicago
Classification: Uncertain significance for Spinocerebellar ataxia type 6; Episodic ataxia type 2; Developmental and epileptic encephalopathy, 42; Migraine, familial hemiplegic, 1. Last evaluated: 2022-05-18. Review status: criteria provided, single submitter. Criteria: ACMG Guidelines, 2015. Collection method: clinical testing. Allele origin: germline.
Comment: This variant has not been reported in the literature and is not present in large control databases. Evolutionary conservation for this variant is unclear; computational predictive tools suggest that this variant may not impact the protein. In summary, data on this variant is insufficient for disease classification. Therefore, the clinical significance of this variant is uncertain.